The following is an entry in ClinVar:

NM_000051.4(ATM):c.1830A>C (p.Lys610Asn)

Gene: ATM (ATM serine/threonine kinase; plus strand). Cytogenetic location: 11q22.3.
Variant type: single nucleotide variant.
Coding change: c.1830A>C on transcript NM_000051.4 (MANE Select); coding-DNA position 1830, A replaced by C.
Protein change: p.Lys610Asn; replaces lysine 610 with asparagine.
Molecular consequence: missense variant.
Genome position (GRCh38, 1-based): chr11:108,252,844, A>C. VCF-style: chr11-108252844-A-C. GRCh37 (hg19) VCF-style: chr11-108123571-A-C.
Other names: c.1830A>C, p.Lys610Asn (NM_001351834.2); short protein forms K610N.
Identifiers: ClinVar variation 2120180 (VCV002120180.4), dbSNP rs2497289824, ClinGen allele CA382535790.
Genomic context (GRCh38, chr11:108,252,844, plus strand): 5'-CTTCTAAGTGAAGCTTTTTGTTTTTCTTTGTAGTAATTTTCCTCATCTTGTACTGGAGAA[A>C]ATTCTTGTGAGTCTCACTATGAAAAACTGTAAAGCTGCAATGAATTTTTTCCAAAGCGTG-3'
Protein context (NP_000042.3, residues 600-620): HSNFPHLVLE[Lys610Asn]ILVSLTMKNC

ClinVar aggregate classification (germline): Uncertain significance (1 of 4 stars; one submission).

Conditions:
Ataxia-telangiectasia syndrome (AT). Also called: Ataxia-telangiectasia; AT, COMPLEMENTATION GROUP C; ATAXIA-TELANGIECTASIA, COMPLEMENTATION GROUP A; ATAXIA-TELANGIECTASIA, FRESNO VARIANT; Ataxia-telangiectasia, complementation group E; LOUIS-BAR SYNDROME. Identifiers: Orphanet 100, MedGen C0004135, MONDO:0008840, OMIM 208900.

Submission:

Labcorp Genetics (formerly Invitae), Labcorp
Classification: Uncertain significance for Ataxia-telangiectasia syndrome. Last evaluated: 2025-03-17. Review status: criteria provided, single submitter. Criteria: Invitae Variant Classification Sherloc (09022015). Collection method: clinical testing. Allele origin: germline.
Comment: This sequence change replaces lysine, which is basic and polar, with asparagine, which is neutral and polar, at codon 610 of the ATM protein (p.Lys610Asn). This variant is not present in population databases (gnomAD no frequency). This variant has not been reported in the literature in individuals affected with ATM-related conditions. ClinVar contains an entry for this variant (Variation ID: 2120180). Invitae Evidence Modeling of protein sequence and biophysical properties (such as structural, functional, and spatial information, amino acid conservation, physicochemical variation, residue mobility, and thermodynamic stability) indicates that this missense variant is not expected to disrupt ATM protein function with a negative predictive value of 95%. In summary, the available evidence is currently insufficient to determine the role of this variant in disease. Therefore, it has been classified as a Variant of Uncertain Significance.